The following is an entry in ClinVar:

NM_022489.4(INF2):c.3612G>A (p.Ser1204=)

Gene: INF2 (inverted formin 2; plus strand). Cytogenetic location: 14q32.33.
Variant type: single nucleotide variant.
Coding change: c.3612G>A on transcript NM_022489.4 (MANE Select); coding-DNA position 3612, G replaced by A.
Protein change: p.Ser1204=; no amino-acid change (serine 1204 retained).
Molecular consequence: synonymous variant.
Genome position (GRCh38, 1-based): chr14:104,714,774, G>A. VCF-style: chr14-104714774-G-A. GRCh37 (hg19) VCF-style: chr14-105181111-G-A.
Other names: c.3612G>A, p.Ser1204= (NM_001031714.4).
Identifiers: ClinVar variation 472858 (VCV000472858.26), dbSNP rs150811244, ClinGen allele CA7373322.

ClinVar aggregate classification (germline): Benign/Likely benign. Review status: criteria provided, multiple submitters, no conflicts (2 of 4 stars). 8 submissions from 8 submitters: Benign (4); Likely benign (3). 1 of the submissions does not count toward it. Last evaluated 2025-12-01.

Conditions:
Charcot-Marie-Tooth disease dominant intermediate E. Also called: CHARCOT-MARIE-TOOTH NEUROPATHY WITH FOCAL SEGMENTAL GLOMERULONEPHRITIS. Identifiers: Orphanet 93114, MedGen C4302667, MONDO:0013758, OMIM 614455.
Focal segmental glomerulosclerosis 5 (FSGS5). Identifiers: Orphanet 656, MedGen C2750475, MONDO:0013191, OMIM 613237.
INF2-related disorder. Also called: INF2-related condition.
Inborn genetic diseases. Identifiers: MedGen C0950123, MeSH D030342.

Allele frequency attached by ClinVar (database versions not stated): gnomAD exomes 0.00010 and 0.00028; ExAC 0.00055; 1000 Genomes Project 30x 0.00094; 1000 Genomes Project 0.00120; gnomAD 0.00121 and 0.00134; TOPMed 0.00135; ESP Exome Variant Server 0.00143.
gnomAD v4.1: 338 of 1,600,200 alleles (0.021%); highest among the groups gnomAD compares: African/African-American, 0.39%; 2 homozygotes.

Submissions (8):

CeGaT Center for Human Genetics Tuebingen
Classification: Likely benign. Last evaluated: 2025-12-01. Review status: criteria provided, single submitter. Criteria: CeGaT Center For Human Genetics Tuebingen Variant Classification Criteria Version 2. Collection method: clinical testing. Allele origin: germline. Affected: yes. Observed: 1 variant allele.
Comment: INF2: BP4, BP7, BS1

Labcorp Genetics (formerly Invitae), Labcorp
Classification: Benign for Charcot-Marie-Tooth disease dominant intermediate E; Focal segmental glomerulosclerosis 5. Last evaluated: 2025-12-01. Review status: criteria provided, single submitter. Criteria: Invitae Variant Classification Sherloc (09022015). Collection method: clinical testing. Allele origin: germline.

Blueprint Genetics
Classification: Likely benign. Last evaluated: 2023-03-15. Review status: criteria provided, single submitter. Criteria: ACMG Guidelines, 2015. Collection method: clinical testing. Allele origin: germline.

GeneDx
Classification: Benign. Last evaluated: 2020-02-19. Review status: criteria provided, single submitter. Criteria: GeneDx Variant Classification Process June 2021. Collection method: clinical testing. Allele origin: germline. Affected: yes.

Athena Diagnostics
Classification: Benign. Last evaluated: 2019-10-10. Review status: criteria provided, single submitter. Criteria: Athena Diagnostics Criteria. Collection method: clinical testing. Allele origin: unknown.

Ambry Genetics
Classification: Likely benign for Inborn genetic diseases. Last evaluated: 2019-07-11. Review status: criteria provided, single submitter. Criteria: Ambry Variant Classification Scheme 2023. Collection method: clinical testing. Allele origin: germline.

Breakthrough Genomics
Classification: Benign. Review status: criteria provided, single submitter. Criteria: ACMG Guidelines, 2015. Collection method: not provided. Allele origin: germline. Inheritance: Autosomal dominant inheritance. Affected: yes.

PreventionGenetics, part of Exact Sciences
Classification: Likely benign for INF2-related condition. Last evaluated: 2019-12-19. Review status: no assertion criteria provided. Collection method: clinical testing. Allele origin: germline. Not counted in ClinVar's aggregate classification.
Comment: This variant is classified as likely benign based on ACMG/AMP sequence variant interpretation guidelines (Richards et al. 2015 PMID: 25741868, with internal and published modifications).